The following is an entry in ClinVar:

NM_001378778.1(MPDZ):c.2438C>T (p.Ala813Val)

Gene: MPDZ (multiple PDZ domain crumbs cell polarity complex component; minus strand). Cytogenetic location: 9p23.
Variant type: single nucleotide variant.
Coding change: c.2438C>T on transcript NM_001378778.1 (MANE Select); coding-DNA position 2438, C replaced by T.
Protein change: p.Ala813Val; replaces alanine 813 with valine.
Molecular consequence: missense variant.
Genome position (GRCh38, 1-based): chr9:13,186,313, G>A on the plus strand (C>T on the coding strand, the complement: MPDZ is on the minus strand). VCF-style: chr9-13186313-G-A. GRCh37 (hg19) VCF-style: chr9-13186312-G-A.
Other names: c.2438C>T, p.Ala813Val (NM_001261406.2, NM_001261407.2, NM_001330637.2 and 14 more transcripts); c.2438C>T (NM_003829.3); short protein forms A813V.
Identifiers: ClinVar variation 1473256 (VCV001473256.9), dbSNP rs748794859, ClinGen allele CA4987461.

ClinVar aggregate classification (germline): Uncertain significance. Review status: criteria provided, multiple submitters, no conflicts (2 of 4 stars). 2 submissions from 2 submitters: Uncertain significance (2). Last evaluated 2022-06-17.

Conditions:
Inborn genetic diseases. Identifiers: MedGen C0950123, MeSH D030342.

Allele frequency attached by ClinVar (database versions not stated): gnomAD exomes below 0.00001; gnomAD 0.00001; TOPMed 0.00001; ExAC 0.00002.
gnomAD v4.1: 7 of 1,596,102 alleles (0.00044%); highest among the groups gnomAD compares: African/African-American, 0.0027%; no homozygotes.

Submissions (2):

Ambry Genetics
Classification: Uncertain significance for Inborn genetic diseases. Last evaluated: 2022-06-17. Review status: criteria provided, single submitter. Criteria: Ambry Variant Classification Scheme 2023. Collection method: clinical testing. Allele origin: germline.

Labcorp Genetics (formerly Invitae), Labcorp
Classification: Uncertain significance. Last evaluated: 2021-05-07. Review status: criteria provided, single submitter. Criteria: Invitae Variant Classification Sherloc (09022015). Collection method: clinical testing. Allele origin: germline.
Comment: The frequency data for this variant in the population databases is considered unreliable, as metrics indicate poor data quality at this position in the ExAC database. This sequence change replaces alanine with valine at codon 813 of the MPDZ protein (p.Ala813Val). The alanine residue is weakly conserved and there is a small physicochemical difference between alanine and valine. This variant has been observed in individual(s) with clinical features of retinitis pigmentosa (Invitae). Algorithms developed to predict the effect of missense changes on protein structure and function (SIFT, PolyPhen-2, Align-GVGD) all suggest that this variant is likely to be tolerated, but these predictions have not been confirmed by published functional studies and their clinical significance is uncertain. Algorithms developed to predict the effect of sequence changes on RNA splicing suggest that this variant may create or strengthen a splice site, but this prediction has not been confirmed by published transcriptional studies. In summary, the available evidence is currently insufficient to determine the role of this variant in disease. Therefore, it has been classified as a Variant of Uncertain Significance.